The following is an entry in ClinVar:

ClinVar aggregate classification (germline): Uncertain significance. Review status: criteria provided, multiple submitters, no conflicts (2 of 4 stars). 3 submissions from 3 submitters: Uncertain significance (3). Last evaluated 2025-08-29.

Conditions:
Inborn genetic diseases. Identifiers: MedGen C0950123, MeSH D030342.
Familial cold autoinflammatory syndrome 2 (FCAS2). Identifiers: Orphanet 247868, MedGen C2673198, MONDO:0012724, OMIM 611762.

Allele frequency attached by ClinVar (database versions not stated): gnomAD exomes 0.00001; TOPMed 0.00001; gnomAD 0.00002.
gnomAD v4.1: 13 of 1,613,664 alleles (0.00081%); highest among the groups gnomAD compares: African/African-American, 0.0027%; no homozygotes.

Submissions (3):

Ambry Genetics
Classification: Uncertain significance for Inborn genetic diseases. Last evaluated: 2025-08-29. Review status: criteria provided, single submitter. Criteria: Ambry Variant Classification Scheme 2023. Collection method: clinical testing. Allele origin: germline.

Labcorp Genetics (formerly Invitae), Labcorp
Classification: Uncertain significance for Familial cold autoinflammatory syndrome 2. Last evaluated: 2025-05-11. Review status: criteria provided, single submitter. Criteria: Invitae Variant Classification Sherloc (09022015). Collection method: clinical testing. Allele origin: germline.
Comment: This sequence change replaces alanine, which is neutral and non-polar, with threonine, which is neutral and polar, at codon 668 of the NLRP12 protein (p.Ala668Thr). This variant is not present in population databases (gnomAD no frequency). This variant has not been reported in the literature in individuals affected with NLRP12-related conditions. ClinVar contains an entry for this variant (Variation ID: 1502679). Invitae Evidence Modeling of protein sequence and biophysical properties (such as structural, functional, and spatial information, amino acid conservation, physicochemical variation, residue mobility, and thermodynamic stability) indicates that this missense variant is not expected to disrupt NLRP12 protein function with a negative predictive value of 80%. In summary, the available evidence is currently insufficient to determine the role of this variant in disease. Therefore, it has been classified as a Variant of Uncertain Significance.

CeGaT Center for Human Genetics Tuebingen
Classification: Uncertain significance. Last evaluated: 2023-06-01. Review status: criteria provided, single submitter. Criteria: CeGaT Center For Human Genetics Tuebingen Variant Classification Criteria Version 2. Collection method: clinical testing. Allele origin: germline. Affected: yes. Observed: 1 variant allele.
Comment: NLRP12: PM2, BP4

NM_144687.4(NLRP12):c.2002G>A (p.Ala668Thr)

Gene: NLRP12 (NLR family pyrin domain containing 12; minus strand). Cytogenetic location: 19q13.42.
Variant type: single nucleotide variant.
Coding change: c.2002G>A on transcript NM_144687.4 (MANE Select); coding-DNA position 2002, G replaced by A.
Protein change: p.Ala668Thr; replaces alanine 668 with threonine.
Molecular consequence: missense variant.
Genome position (GRCh38, 1-based): chr19:53,809,657, C>T on the plus strand (G>A on the coding strand, the complement: NLRP12 is on the minus strand). VCF-style: chr19-53809657-C-T. GRCh37 (hg19) VCF-style: chr19-54312911-C-T.
Other names: c.2002G>A, p.Ala668Thr (NM_001277126.2, NM_001277129.1); c.2002G>A (NM_144687.2); short protein forms A668T.
Identifiers: ClinVar variation 1502679 (VCV001502679.34), dbSNP rs1307240172, ClinGen allele CA407411647.
Genomic context (GRCh38, chr19:53,809,657, plus strand): 5'-ACAGCGTGTGCGCTCCTGCGGAGCACCTCGCGCGGTCTTCCCCGTCCGCGCTGTAGGTGG[C>T]GCCATACAAGTGCAGCACCTGGGCGCTCCTGCAGCGCTTCAGACAGAACGAGGAGACCAT-3'
Protein context (NP_653288.1, residues 658-678): RSAQVLHLYG[Ala668Thr]TYSADGEDRA